The following is an entry in ClinVar:

NM_001267550.2(TTN):c.3008_3009delinsAA (p.Arg1003Gln)

Gene: TTN (titin; minus strand). Cytogenetic location: 2q31.2.
Variant type: Indel.
Coding change: c.3008_3009delinsAA on transcript NM_001267550.2 (MANE Select); coding-DNA positions 3008 to 3009, GC replaced by AA.
Protein change: p.Arg1003Gln; replaces arginine 1003 with glutamine.
Molecular consequence: missense variant.
Genome position (GRCh38, 1-based): chr2:178,782,897-178,782,898, GC replaced by TT on the plus strand (GC replaced by AA on the coding strand, the reverse complement: TTN is on the minus strand). VCF-style: chr2-178782897-GC-TT. GRCh37 (hg19) VCF-style: chr2-179647624-GC-TT.
Other names: c.3008_3009delinsAA, p.Arg1003Gln (NM_001256850.1, NM_133378.4, NM_133379.5); c.2870_2871delinsAA, p.Arg957Gln (NM_003319.4, NM_133432.3, NM_133437.4); short protein forms R1003Q, R957Q.
Identifiers: ClinVar variation 3345598 (VCV003345598.1).
Genomic context (GRCh38, chr2:178,782,897, plus strand): 5'-GGTTCCAGCCTCATTTACAGCACTGCAAGTAAATCGCCCGCTGTCTTCCGCAAATGCTTC[GC>TT]GAATCATAAGACGAGCAATTCCACTCTGGAAGGTTATCTGGAAGTCAATGGAACTTTCGA-3'
Protein context (NP_001254479.2, residues 993-1013): FQSGIARLMI[Arg1003Gln]EAFAEDSGRF

ClinVar aggregate classification (germline): Uncertain significance (0 of 4 stars; one submission).

Conditions:
TTN-related disorder. Also called: TTN-related disorders; TTN-related condition; TTN-related disease.

Submission:

PreventionGenetics, part of Exact Sciences
Classification: Uncertain significance for TTN-related condition. Last evaluated: 2024-08-16. Review status: no assertion criteria provided. Collection method: clinical testing. Allele origin: germline.
Comment: The TTN c.3008_3009delinsAA variant is predicted to result in an in-frame deletion and insertion. To our knowledge, this variant has not been reported in the literature or in a large population database, indicating this variant is rare. At this time, the clinical significance of this variant is uncertain due to the absence of conclusive functional and genetic evidence.